The following is an entry in ClinVar:

NM_007255.3(B4GALT7):c.658C>T (p.Arg220Cys)

Gene: B4GALT7 (beta-1,4-galactosyltransferase 7; plus strand). Cytogenetic location: 5q35.3.
Variant type: single nucleotide variant.
Coding change: c.658C>T on transcript NM_007255.3 (MANE Select); coding-DNA position 658, C replaced by T.
Protein change: p.Arg220Cys; replaces arginine 220 with cysteine.
Molecular consequence: missense variant.
Genome position (GRCh38, 1-based): chr5:177,608,557, C>T. VCF-style: chr5-177608557-C-T. GRCh37 (hg19) VCF-style: chr5-177035558-C-T.
Other names: short protein forms R220C.
Identifiers: ClinVar variation 1023417 (VCV001023417.8), dbSNP rs199905021, ClinGen allele CA3586617.

ClinVar aggregate classification (germline): Uncertain significance. Review status: criteria provided, multiple submitters, no conflicts (2 of 4 stars). 5 submissions from 5 submitters: Uncertain significance (5). Last evaluated 2024-11-13.

Conditions:
Spondylodysplastic Ehlers-Danlos syndrome. Identifiers: Orphanet 536471, Orphanet 75496, MedGen C5680154, MONDO:0007526.
Inborn genetic diseases. Identifiers: MedGen C0950123, MeSH D030342.

Allele frequency attached by ClinVar (database versions not stated): ESP Exome Variant Server 0.00008; TOPMed 0.00008.
gnomAD v4.1: 81 of 1,613,714 alleles (0.005%); highest among the groups gnomAD compares: South Asian, 0.021%; no homozygotes.

Submissions (5):

Blueprint Genetics
Classification: Uncertain significance. Last evaluated: 2024-11-13. Review status: criteria provided, single submitter. Criteria: ACMG Guidelines, 2015. Collection method: clinical testing. Allele origin: germline.

Ambry Genetics
Classification: Uncertain significance for Inborn genetic diseases. Last evaluated: 2023-12-07. Review status: criteria provided, single submitter. Criteria: Ambry Variant Classification Scheme 2023. Collection method: clinical testing. Allele origin: germline.

GeneDx
Classification: Uncertain significance. Last evaluated: 2022-10-06. Review status: criteria provided, single submitter. Criteria: GeneDx Variant Classification Process June 2021. Collection method: clinical testing. Allele origin: germline. Affected: yes.
Comment: In silico analysis supports that this missense variant has a deleterious effect on protein structure/function; Has not been previously published as pathogenic or benign to our knowledge

Labcorp Genetics (formerly Invitae), Labcorp
Classification: Uncertain significance for Spondylodysplastic Ehlers-Danlos syndrome. Last evaluated: 2022-08-22. Review status: criteria provided, single submitter. Criteria: Invitae Variant Classification Sherloc (09022015). Collection method: clinical testing. Allele origin: germline.
Comment: This sequence change replaces arginine, which is basic and polar, with cysteine, which is neutral and slightly polar, at codon 220 of the B4GALT7 protein (p.Arg220Cys). This variant is present in population databases (rs199905021, gnomAD 0.05%). This variant has not been reported in the literature in individuals affected with B4GALT7-related conditions. ClinVar contains an entry for this variant (Variation ID: 1023417). Algorithms developed to predict the effect of missense changes on protein structure and function are either unavailable or do not agree on the potential impact of this missense change (SIFT: "Deleterious"; PolyPhen-2: "Benign"; Align-GVGD: "Class C35"). In summary, the available evidence is currently insufficient to determine the role of this variant in disease. Therefore, it has been classified as a Variant of Uncertain Significance.

Breakthrough Genomics
Classification: Uncertain significance. Review status: criteria provided, single submitter. Criteria: ACMG Guidelines, 2015. Collection method: not provided. Allele origin: germline. Inheritance: Autosomal recessive inheritance. Affected: yes.